The following is an entry in ClinVar:

NM_031935.3(HMCN1):c.4565G>A (p.Arg1522His)

Gene: HMCN1 (hemicentin 1; plus strand). Cytogenetic location: 1q31.1.
Variant type: single nucleotide variant.
Coding change: c.4565G>A on transcript NM_031935.3 (MANE Select); coding-DNA position 4565, G replaced by A.
Protein change: p.Arg1522His; replaces arginine 1522 with histidine.
Molecular consequence: missense variant.
Genome position (GRCh38, 1-based): chr1:186,007,217, G>A. VCF-style: chr1-186007217-G-A. GRCh37 (hg19) VCF-style: chr1-185976349-G-A.
Other names: short protein forms R1522H.
Identifiers: ClinVar variation 294152 (VCV000294152.9), dbSNP rs886045671, ClinGen allele CA10609076.
Genomic context (GRCh38, chr1:186,007,217, plus strand): 5'-AACTTCTAGACAGAGGACAAGTCTTACATTTAAAGAATGCACGGAGAAATGACAAGGGGC[G>A]CTACCAATGTACTGTGTCTAATGCAGCTGGCAAACAAGCCAAGGATATAAAACTGACTAT-3'
Protein context (NP_114141.2, residues 1512-1532): LKNARRNDKG[Arg1522His]YQCTVSNAAG

ClinVar aggregate classification (germline): Uncertain significance. Review status: criteria provided, multiple submitters, no conflicts (2 of 4 stars). 3 submissions from 3 submitters: Uncertain significance (3). Last evaluated 2025-11-13.

Conditions:
Age related macular degeneration 1 (ARMD1). Also called: MACULOPATHY, AGE-RELATED, 1. Identifiers: MedGen C1864205, MONDO:0011285, OMIM 603075.

Allele frequency attached by ClinVar (database versions not stated): gnomAD 0.00001 and 0.00002; gnomAD exomes 0.00001 and 0.00002; TOPMed 0.00001.
gnomAD v4.1: 42 of 1,613,272 alleles (0.0026%); highest among the groups gnomAD compares: Non-Finnish European, 0.0031%; no homozygotes.

Submissions (3):

Ambry Genetics
Classification: Uncertain significance. Last evaluated: 2025-11-13. Review status: criteria provided, single submitter. Criteria: Ambry Variant Classification Scheme 2023. Collection method: clinical testing. Allele origin: germline.

Labcorp Genetics (formerly Invitae), Labcorp
Classification: Uncertain significance. Last evaluated: 2024-11-01. Review status: criteria provided, single submitter. Criteria: Invitae Variant Classification Sherloc (09022015). Collection method: clinical testing. Allele origin: germline.
Comment: This sequence change replaces arginine, which is basic and polar, with histidine, which is basic and polar, at codon 1522 of the HMCN1 protein (p.Arg1522His). This variant is present in population databases (no rsID available, gnomAD 0.002%). This variant has not been reported in the literature in individuals affected with HMCN1-related conditions. ClinVar contains an entry for this variant (Variation ID: 294152). An algorithm developed to predict the effect of missense changes on protein structure and function (PolyPhen-2) suggests that this variant is likely to be disruptive. In summary, the available evidence is currently insufficient to determine the role of this variant in disease. Therefore, it has been classified as a Variant of Uncertain Significance.

Illumina Laboratory Services, Illumina
Classification: Uncertain significance for Age related macular degeneration 1. Last evaluated: 2018-01-13. Review status: criteria provided, single submitter. Criteria: ICSL Variant Classification Criteria 13 December 2019. Collection method: clinical testing. Allele origin: germline.